The following is an entry in ClinVar:

ClinVar aggregate classification (germline): Uncertain significance (1 of 4 stars; one submission).

Allele frequency attached by ClinVar (database versions not stated): ExAC 0.00002; TOPMed 0.00001; gnomAD exomes 0.00001.
gnomAD v4.1: 7 of 1,613,676 alleles (0.00043%); highest among the groups gnomAD compares: Admixed American, 0.012%; no homozygotes.

Submission:

Labcorp Genetics (formerly Invitae), Labcorp
Classification: Uncertain significance. Last evaluated: 2022-06-22. Review status: criteria provided, single submitter. Criteria: Invitae Variant Classification Sherloc (09022015). Collection method: clinical testing. Allele origin: germline.
Comment: This variant is present in population databases (rs758677248, gnomAD 0.02%). This sequence change replaces glutamine, which is neutral and polar, with arginine, which is basic and polar, at codon 1060 of the TNS2 protein (p.Gln1060Arg). This variant has not been reported in the literature in individuals affected with TNS2-related conditions. Algorithms developed to predict the effect of missense changes on protein structure and function output the following: SIFT: "Tolerated"; PolyPhen-2: "Benign"; Align-GVGD: "Class C0". The arginine amino acid residue is found in multiple mammalian species, which suggests that this missense change does not adversely affect protein function. In summary, the available evidence is currently insufficient to determine the role of this variant in disease. Therefore, it has been classified as a Variant of Uncertain Significance.

NM_170754.4(TNS2):c.3149A>G (p.Gln1050Arg)

Gene: TNS2 (tensin 2; plus strand). Cytogenetic location: 12q13.13.
Variant type: single nucleotide variant.
Coding change: c.3149A>G on transcript NM_170754.4 (MANE Select); coding-DNA position 3149, A replaced by G.
Protein change: p.Gln1050Arg; replaces glutamine 1050 with arginine.
Molecular consequence: missense variant.
Genome position (GRCh38, 1-based): chr12:53,061,055, A>G. VCF-style: chr12-53061055-A-G. GRCh37 (hg19) VCF-style: chr12-53454839-A-G.
Other names: c.2777A>G, p.Gln926Arg (NM_198316.2); c.3176A>G, p.Gln1059Arg (NM_001416204.1); c.3080A>G, p.Gln1027Arg (NM_015319.3); c.3149A>G, p.Gln1050Arg (NM_001416202.1); c.3107A>G, p.Gln1036Arg (NM_001416203.1); short protein forms Q1060R, Q926R, Q1050R, Q1027R, Q1036R, Q1059R.
Identifiers: ClinVar variation 2055688 (VCV002055688.4), dbSNP rs758677248, ClinGen allele CA6592776.